The following is an entry in ClinVar:

NM_002185.5(IL7R):c.707-2A>G

Gene: IL7R (interleukin 7 receptor; plus strand). Cytogenetic location: 5p13.2.
Variant type: single nucleotide variant.
Coding change: c.707-2A>G on transcript NM_002185.5 (MANE Select); the canonical splice acceptor site of the intron before coding-DNA position 707, A replaced by G.
Molecular consequence: splice acceptor variant. On other transcripts: intron variant (1).
Genome position (GRCh38, 1-based): chr5:35,874,447, A>G. VCF-style: chr5-35874447-A-G. GRCh37 (hg19) VCF-style: chr5-35874549-A-G.
Other names: c.706+799A>G (NM_001410734.1).
Identifiers: ClinVar variation 599352 (VCV000599352.3), dbSNP rs1561424886, ClinGen allele CA359431436.

ClinVar aggregate classification (germline): Pathogenic (1 of 4 stars; one submission).

Conditions:
Severe combined immunodeficiency disease. Also called: Severe Combined Immune Deficiency; Severe combined immunodeficiency. Identifiers: MedGen C0085110, MeSH D016511, MONDO:0015974, HP:0004430, Orphanet 183660. Inheritance: X-Linked or Autosomal recessive.

Allele frequency attached by ClinVar (database versions not stated): TOPMed below 0.00001.

Submission:

Immunogenetics Laboratory, Johns Hopkins All Children's Hospital
Classification: Pathogenic for Severe combined immunodeficiency disease. Last evaluated: 2018-02-26. Review status: criteria provided, single submitter. Criteria: ACMG Guidelines, 2015. Collection method: clinical testing. Allele origin: germline. Inheritance: Autosomal recessive inheritance. Affected: yes. Observed: 1 homozygote.
Comment: Laboratory testing results showed extremely low T cell numbers, normal B cell and IgM levels, and normal NK cell counts. The proliferation response to PHA was essentially absent, and the response to PWM was decreased but detectable. The diagnosis of T- B+ NK+ SCID is indicated. A panel of primary immunodeficiency genes including SCID genes was analyzed. A novel significant homozygous splicing site substitution in IL-7R gene was revealed (707-2A>G). The mutation likely causes altered splicing which generates a soluble protein lacking exon 6 (transmembrane domain of IL7R (CD127) protein). Flow cytometry confirmed that the lymphocyte surface expression of IL7R was dramatically reduced in this patient.